The following is an entry in ClinVar:

ClinVar aggregate classification (germline): Uncertain significance (1 of 4 stars; one submission).

Conditions:
Neuronal ceroid lipofuscinosis 7 (CLN7). Also called: MFSD8-Related Neuronal Ceroid-Lipofuscinosis. Identifiers: Orphanet 168491, Orphanet 228366, MedGen C1838571, MONDO:0012588, OMIM 610951.

Allele frequency attached by ClinVar (database versions not stated): gnomAD 0.00001; gnomAD exomes 0.00001 and 0.00002; ExAC 0.00002; TOPMed 0.00002; ESP Exome Variant Server 0.00008.
gnomAD v4.1: 15 of 1,613,688 alleles (0.00093%); highest among the groups gnomAD compares: Middle Eastern, 0.016%; no homozygotes.

Submission:

Labcorp Genetics (formerly Invitae), Labcorp
Classification: Uncertain significance for Neuronal ceroid lipofuscinosis 7. Last evaluated: 2021-09-24. Review status: criteria provided, single submitter. Criteria: Invitae Variant Classification Sherloc (09022015). Collection method: clinical testing. Allele origin: germline.
Comment: This sequence change replaces asparagine with aspartic acid at codon 263 of the MFSD8 protein (p.Asn263Asp). The asparagine residue is weakly conserved and there is a small physicochemical difference between asparagine and aspartic acid. This variant is present in population databases (rs374234685, ExAC 0.004%). This variant has not been reported in the literature in individuals with MFSD8-related conditions. Algorithms developed to predict the effect of missense changes on protein structure and function (SIFT, PolyPhen-2, Align-GVGD) all suggest that this variant is likely to be tolerated, but these predictions have not been confirmed by published functional studies and their clinical significance is uncertain. In summary, the available evidence is currently insufficient to determine the role of this variant in disease. Therefore, it has been classified as a Variant of Uncertain Significance.

NM_001371596.2(MFSD8):c.787A>G (p.Asn263Asp)

Gene: MFSD8 (major facilitator superfamily domain containing 8; minus strand). Cytogenetic location: 4q28.2.
Variant type: single nucleotide variant.
Coding change: c.787A>G on transcript NM_001371596.2 (MANE Select); coding-DNA position 787, A replaced by G.
Protein change: p.Asn263Asp; replaces asparagine 263 with aspartic acid.
Molecular consequence: missense variant.
Genome position (GRCh38, 1-based): chr4:127,933,061, T>C on the plus strand (A>G on the coding strand, the complement: MFSD8 is on the minus strand). VCF-style: chr4-127933061-T-C. GRCh37 (hg19) VCF-style: chr4-128854216-T-C.
Other names: c.586A>G, p.Asn196Asp (NM_001363520.3); c.472A>G, p.Asn158Asp (NM_001363521.3); c.652A>G, p.Asn218Asp (NM_001371590.2); c.787A>G, p.Asn263Asp (NM_001371591.2, NM_152778.4); c.793A>G, p.Asn265Asp (NM_001371592.2); c.673A>G, p.Asn225Asp (NM_001371593.2, NM_001410766.1); c.640A>G, p.Asn214Asp (NM_001371594.2); c.505A>G, p.Asn169Asp (NM_001371595.1); and 1 more; short protein forms N196D, N225D, N218D, N158D, N169D, N214D, N263D, N265D.
Identifiers: ClinVar variation 1443513 (VCV001443513.6), dbSNP rs374234685, ClinGen allele CA3077374.
Genomic context (GRCh38, chr4:127,933,061, plus strand): 5'-AGATAAATAGAGTCACAAAAAACAGAACATTGATGGCCACAACAGCAACCTGGTCAATAT[T>C]TCCTTGGGGAACCTGAGCTTCATCTGTACTTGCTATAGGGAAATAGGAGAAAAATTACAT-3'
Protein context (NP_001358525.1, residues 253-273): STDEAQVPQG[Asn263Asp]IDQVAVVAIN